The following is an entry in ClinVar:

ClinVar aggregate classification (germline): Benign. Review status: criteria provided, multiple submitters, no conflicts (2 of 4 stars). 4 submissions from 3 submitters: Benign (4). Last evaluated 2021-08-10.

Conditions:
Cerebral arteriopathy, autosomal dominant, with subcortical infarcts and leukoencephalopathy, type 2 (CADASIL2). Identifiers: MedGen C4225211, MONDO:0014768, OMIM 616779.
Cerebral arteriopathy, autosomal recessive, with subcortical infarcts and leukoencephalopathy 2. Also called: CEREBROVASCULAR DISEASE WITH THIN SKIN, ALOPECIA, AND DISC DISEASE; MAEDA SYNDROME; SUBCORTICAL VASCULAR ENCEPHALOPATHY, PROGRESSIVE; CARASIL syndrome; Cerebral autosomal recessive arteriopathy with subcortical infarcts and leukoencephalopathy. Identifiers: Orphanet 199354, MedGen C6022615, MONDO:0010829, OMIM 600142.

Allele frequency attached by ClinVar (database versions not stated): ESP Exome Variant Server 0.17184; gnomAD 0.17476 and 0.18333; TOPMed 0.18873; ExAC 0.22070; gnomAD exomes 0.22140; 1000 Genomes Project 30x 0.25593; 1000 Genomes Project 0.26118.
gnomAD v4.1: 311,510 of 1,605,236 alleles (19%); highest among the groups gnomAD compares: East Asian, 43%; 33,858 homozygotes.

Submissions (4):

Genome-Nilou Lab
Classification: Benign for Cerebral arteriopathy, autosomal recessive, with subcortical infarcts and leukoencephalopathy 2. Last evaluated: 2021-08-10. Review status: criteria provided, single submitter. Criteria: ACMG Guidelines, 2015. Collection method: clinical testing. Allele origin: germline. Affected: no.

Genome-Nilou Lab
Classification: Benign for Cerebral arteriopathy, autosomal dominant, with subcortical infarcts and leukoencephalopathy, type 2. Last evaluated: 2021-08-10. Review status: criteria provided, single submitter. Criteria: ACMG Guidelines, 2015. Collection method: clinical testing. Allele origin: germline. Affected: no.

GeneDx
Classification: Benign. Last evaluated: 2019-08-23. Review status: criteria provided, single submitter. Criteria: GeneDx Variant Classification Process June 2021. Collection method: clinical testing. Allele origin: germline. Affected: yes.
Comment: This variant is associated with the following publications: (PMID: 31603204, 30859180)

Breakthrough Genomics
Classification: Benign. Review status: criteria provided, single submitter. Criteria: ACMG Guidelines, 2015. Collection method: not provided. Allele origin: germline. Inheritance: Autosomal recessive inheritance. Affected: yes.

NM_002775.5(HTRA1):c.1275-36C>T

Gene: HTRA1 (HtrA serine peptidase 1; plus strand). Cytogenetic location: 10q26.13.
Variant type: single nucleotide variant.
Coding change: c.1275-36C>T on transcript NM_002775.5 (MANE Select); 36 bases into the intron before coding-DNA position 1275, C replaced by T.
Molecular consequence: intron variant.
Genome position (GRCh38, 1-based): chr10:122,514,155, C>T. VCF-style: chr10-122514155-C-T. GRCh37 (hg19) VCF-style: chr10-124273671-C-T.
Identifiers: ClinVar variation 1259856 (VCV001259856.4), dbSNP rs2293871, ClinGen allele CA5726137.